The following is an entry in ClinVar:

ClinVar aggregate classification (germline): Uncertain significance (1 of 4 stars; one submission).

Conditions:
VPS13B-related disorder. Also called: VPS13B-related condition.

gnomAD v4.1: 4 of 1,612,146 alleles (0.00025%); highest among the groups gnomAD compares: African/African-American, 0.0053%; no homozygotes.

Submission:

PreventionGenetics, part of Exact Sciences
Classification: Uncertain significance for VPS13B-related condition. Last evaluated: 2025-03-12. Review status: criteria provided, single submitter. Criteria: ACMG Guidelines, 2015. Collection method: clinical testing. Allele origin: germline.
Comment: The VPS13B c.931A>T variant is predicted to result in the amino acid substitution p.Ile311Phe. To our knowledge, this variant has not been reported in the literature. This variant is reported in 0.0062% of alleles in individuals of African descent in gnomAD. At this time, the clinical significance of this variant is uncertain due to the absence of conclusive functional and genetic evidence.

NM_152564.5(VPS13B):c.931A>T (p.Ile311Phe)

Gene: VPS13B (vacuolar protein sorting 13 homolog B; plus strand). Cytogenetic location: 8q22.2.
Variant type: single nucleotide variant.
Coding change: c.931A>T on transcript NM_152564.5 (MANE Select); coding-DNA position 931, A replaced by T.
Protein change: p.Ile311Phe; replaces isoleucine 311 with phenylalanine.
Molecular consequence: missense variant. On other transcripts: non-coding transcript variant (1).
Genome position (GRCh38, 1-based): chr8:99,115,868, A>T. VCF-style: chr8-99115868-A-T. GRCh37 (hg19) VCF-style: chr8-100128096-A-T.
Other names: c.931A>T, p.Ile311Phe (NM_015243.3, NM_017890.5, NM_181661.3); short protein forms I311F.
Identifiers: ClinVar variation 4978541 (VCV004978541.1).
Genomic context (GRCh38, chr8:99,115,868, plus strand): 5'-AATTTTAAAGAAGGCGAAATAGAGGACCTTACTTGTCATAATAAAGATATGCTAGGAAAC[A>T]TTACAGGTAATGTAAAACTTTATTAAACAAAAACTTTATTTTAAGACTATTCTTACGTTT-3'
Protein context (NP_689777.3, residues 301-321): TCHNKDMLGN[Ile311Phe]TGSEDETRID